The following is an entry in ClinVar:

NM_001023570.4(IQCB1):c.1568-10T>C

Gene: IQCB1 (IQ motif containing B1; minus strand). Cytogenetic location: 3q13.33.
Variant type: single nucleotide variant.
Coding change: c.1568-10T>C on transcript NM_001023570.4 (MANE Select); 10 bases into the intron before coding-DNA position 1568, T replaced by C.
Molecular consequence: intron variant.
Genome position (GRCh38, 1-based): chr3:121,770,584, A>G on the plus strand (T>C on the coding strand, the complement: IQCB1 is on the minus strand). VCF-style: chr3-121770584-A-G. GRCh37 (hg19) VCF-style: chr3-121489431-A-G.
Other names: c.1568-10T>C (NM_001319107.2, NM_001023570.3); c.1169-10T>C (NM_001023571.4).
Identifiers: ClinVar variation 1484604 (VCV001484604.10), dbSNP rs762667783, ClinGen allele CA2567051.
Genomic context (GRCh38, chr3:121,770,584, plus strand): 5'-TTAGGAAGAGCTCAGGTTCTTTCCCTTCTGCCTCCTTCAGACTTGGTGCCTCTGTAGTGG[A>G]CAGAAAATAAACAGATGAGCAGAAGAGTCCTATGCCAAGCAGGTAGGAACTTGGAAGCTA-3'

ClinVar aggregate classification (germline): Likely benign. Review status: criteria provided, single submitter (1 of 4 stars). 2 submissions from 2 submitters: Likely benign (1). 1 of the submissions does not count toward it. Last evaluated 2025-11-08.

Conditions:
IQCB1-related disorder. Also called: IQCB1-related condition.
Nephronophthisis. Also called: Juvenile Nephronophthisis. Identifiers: Orphanet 655, MedGen C0687120, MONDO:0019005, HP:0000090.

Allele frequency attached by ClinVar (database versions not stated): gnomAD 0.00001; TOPMed 0.00002; ExAC 0.00004; gnomAD exomes 0.00004 and 0.00006.
gnomAD v4.1: 87 of 1,600,590 alleles (0.0054%); highest among the groups gnomAD compares: East Asian, 0.19%; 1 homozygote.

Submissions (2):

Labcorp Genetics (formerly Invitae), Labcorp
Classification: Likely benign for Nephronophthisis. Last evaluated: 2025-11-08. Review status: criteria provided, single submitter. Criteria: Invitae Variant Classification Sherloc (09022015). Collection method: clinical testing. Allele origin: germline.

PreventionGenetics, part of Exact Sciences
Classification: Likely benign for IQCB1-related condition. Last evaluated: 2019-09-19. Review status: no assertion criteria provided. Collection method: clinical testing. Allele origin: germline. Not counted in ClinVar's aggregate classification.
Comment: This variant is classified as likely benign based on ACMG/AMP sequence variant interpretation guidelines (Richards et al. 2015 PMID: 25741868, with internal and published modifications).